The following is an entry in ClinVar:

NM_000540.3(RYR1):c.9957C>T (p.Ile3319=)

Gene: RYR1 (ryanodine receptor 1; plus strand). Cytogenetic location: 19q13.2.
Variant type: single nucleotide variant.
Coding change: c.9957C>T on transcript NM_000540.3 (MANE Select); coding-DNA position 9957, C replaced by T.
Protein change: p.Ile3319=; no amino-acid change (isoleucine 3319 retained).
Molecular consequence: synonymous variant.
Genome position (GRCh38, 1-based): chr19:38,517,630, C>T. VCF-style: chr19-38517630-C-T. GRCh37 (hg19) VCF-style: chr19-39008270-C-T.
Other names: c.9957C>T, p.Ile3319= (NM_001042723.2).
Identifiers: ClinVar variation 2417542 (VCV002417542.8), dbSNP rs942412453, ClinGen allele CA308129970.
Genomic context (GRCh38, chr19:38,517,630, plus strand): 5'-CGCCCCCCCACCCTGCACAGCTGTCACCTCTGACCACCTCAACTCCCTGCTGGGGAATAT[C>T]CTGAGAATCATCGTCAACAACCTGGGCATTGACGAGGCCTCCTGGATGAAGCGGCTGGCT-3'
Protein context (NP_000531.2, residues 3309-3329): SDHLNSLLGN[Ile3319=]LRIIVNNLGI

ClinVar aggregate classification (germline): Likely benign. Review status: criteria provided, multiple submitters, no conflicts (2 of 4 stars). 2 submissions from 2 submitters: Likely benign (2). Last evaluated 2023-08-28.

Conditions:
RYR1-related disorder. Also called: RYR1-related condition; RYR1-related disorders. Identifiers: MedGen CN239331.
Malignant hyperthermia, susceptibility to, 1 (MHS1). Also called: Anesthesia related hyperthermia; Malignant hyperpyrexia; Fulminating hyperpyrexia; Pharmacogenic myopathy; RYR1-Related Malignant Hyperthermia Susceptibility; Malignant hyperthermia suceptibility 1. Identifiers: Orphanet 423, MedGen C2930980, MONDO:0007783, OMIM 145600.

Allele frequency attached by ClinVar (database versions not stated): gnomAD exomes below 0.00001; TOPMed below 0.00001; gnomAD 0.00001.
gnomAD v4.1: 2 of 1,614,068 alleles (0.00012%); highest among the groups gnomAD compares: African/African-American, 0.0027%; no homozygotes.

Submissions (2):

All of Us Research Program, National Institutes of Health
Classification: Likely benign for Malignant hyperthermia, susceptibility to, 1. Last evaluated: 2023-08-28. Review status: criteria provided, single submitter. Criteria: ACMG Guidelines, 2015. Collection method: clinical testing. Allele origin: germline. Inheritance: Autosomal dominant inheritance. Observed: 2 variant alleles, 2 heterozygotes.
Comment: This study involves interpretation of variants in research participants for the purpose of population health screening. Participant phenotype was not available at the time of variant classification. Additional details can be found in publication PMID: 35346344, PMCID: PMC8962531

Labcorp Genetics (formerly Invitae), Labcorp
Classification: Likely benign for RYR1-related disorder. Last evaluated: 2023-06-26. Review status: criteria provided, single submitter. Criteria: Invitae Variant Classification Sherloc (09022015). Collection method: clinical testing. Allele origin: germline.